The following is an entry in ClinVar:

NM_022166.4(XYLT1):c.746C>A (p.Thr249Asn)

Gene: XYLT1 (xylosyltransferase 1; minus strand). Cytogenetic location: 16p12.3.
Variant type: single nucleotide variant.
Coding change: c.746C>A on transcript NM_022166.4 (MANE Select); coding-DNA position 746, C replaced by A.
Protein change: p.Thr249Asn; replaces threonine 249 with asparagine.
Molecular consequence: missense variant.
Genome position (GRCh38, 1-based): chr16:17,259,155, G>T on the plus strand (C>A on the coding strand, the complement: XYLT1 is on the minus strand). VCF-style: chr16-17259155-G-T. GRCh37 (hg19) VCF-style: chr16-17353012-G-T.
Other names: c.746C>A (NM_022166.3); short protein forms T249N.
Identifiers: ClinVar variation 499053 (VCV000499053.9), dbSNP rs761858019, ClinGen allele CA7928119.

ClinVar aggregate classification (germline): Uncertain significance. Review status: criteria provided, multiple submitters, no conflicts (2 of 4 stars). 4 submissions from 4 submitters: Uncertain significance (4). Last evaluated 2022-01-26.

Conditions:
Desbuquois dysplasia 1 (DBQD1). Also called: DESBUQUOIS DYSPLASIA 1, KIM VARIANT; MICROMELIC DWARFISM WITH VERTEBRAL AND METAPHYSEAL ABNORMALITIES AND ADVANCED CARPOTARSAL OSSIFICATION. Identifiers: Orphanet 1425, MedGen C4012146, MONDO:0009629, OMIM 251450.
Inborn genetic diseases. Identifiers: MedGen C0950123, MeSH D030342.

Allele frequency attached by ClinVar (database versions not stated): gnomAD exomes below 0.00001 and 0.00003; TOPMed below 0.00001; ExAC 0.00001; gnomAD 0.00001.
gnomAD v4.1: 51 of 1,598,710 alleles (0.0032%); highest among the groups gnomAD compares: Middle Eastern, 0.73%; 2 homozygotes.

Submissions (4):

Ambry Genetics
Classification: Uncertain significance for Inborn genetic diseases. Last evaluated: 2022-01-26. Review status: criteria provided, single submitter. Criteria: Ambry Variant Classification Scheme 2023. Collection method: clinical testing. Allele origin: germline.

Labcorp Genetics (formerly Invitae), Labcorp
Classification: Uncertain significance for Desbuquois dysplasia 1. Last evaluated: 2022-01-15. Review status: criteria provided, single submitter. Criteria: Invitae Variant Classification Sherloc (09022015). Collection method: clinical testing. Allele origin: germline.
Comment: In summary, the available evidence is currently insufficient to determine the role of this variant in disease. Therefore, it has been classified as a Variant of Uncertain Significance. Algorithms developed to predict the effect of missense changes on protein structure and function (SIFT, PolyPhen-2, Align-GVGD) all suggest that this variant is likely to be tolerated. ClinVar contains an entry for this variant (Variation ID: 499053). This variant has not been reported in the literature in individuals affected with XYLT1-related conditions. This variant is present in population databases (rs761858019, gnomAD 0.0009%). This sequence change replaces threonine, which is neutral and polar, with asparagine, which is neutral and polar, at codon 249 of the XYLT1 protein (p.Thr249Asn).

Eurofins Ntd Llc (ga)
Classification: Uncertain significance. Last evaluated: 2016-12-07. Review status: criteria provided, single submitter. Criteria: EGL Classification Definitions 2015. Collection method: clinical testing. Allele origin: germline. Observed: 1 variant allele, 1 heterozygote.

Breakthrough Genomics
Classification: Uncertain significance. Review status: criteria provided, single submitter. Criteria: ACMG Guidelines, 2015. Collection method: not provided. Allele origin: germline. Inheritance: Autosomal recessive inheritance. Affected: yes.